The following is an entry in ClinVar:

ClinVar aggregate classification (germline): Pathogenic (1 of 4 stars; one submission).

Conditions:
Developmental and epileptic encephalopathy, 2 (DEE2). Also called: INFANTILE SPASM SYNDROME, X-LINKED 2; CDKL5 deficiency disorder. Identifiers: Orphanet 1934, Orphanet 3451, Orphanet 505652, MedGen C4750718, MONDO:0010396, OMIM 300672.
Angelman syndrome-like. Identifiers: MedGen CN128785.

Submission:

Labcorp Genetics (formerly Invitae), Labcorp
Classification: Pathogenic for Developmental and epileptic encephalopathy, 2; Angelman syndrome-like. Last evaluated: 2022-11-23. Review status: criteria provided, single submitter. Criteria: Invitae Variant Classification Sherloc (09022015). Collection method: clinical testing. Allele origin: germline.
Comment: For these reasons, this variant has been classified as Pathogenic. This premature translational stop signal has been observed in individual(s) with CDKL5-related conditions (PMID: 29264392). This variant is not present in population databases (gnomAD no frequency). This sequence change creates a premature translational stop signal (p.Trp759*) in the CDKL5 gene. It is expected to result in an absent or disrupted protein product. Loss-of-function variants in CDKL5 are known to be pathogenic (PMID: 22872100).

Literature cited by the submitters: PubMed 29264392; PubMed 22872100.

NM_001323289.2(CDKL5):c.2277G>A (p.Trp759Ter)

Gene: CDKL5 (cyclin dependent kinase like 5; plus strand). Cytogenetic location: Xp22.13.
Variant type: single nucleotide variant.
Coding change: c.2277G>A on transcript NM_001323289.2 (MANE Select); coding-DNA position 2277, G replaced by A.
Protein change: p.Trp759Ter; replaces tryptophan 759 with a stop codon.
Molecular consequence: nonsense.
Genome position (GRCh38, 1-based): chrX:18,619,867, G>A. VCF-style: chrX-18619867-G-A. GRCh37 (hg19) VCF-style: chrX-18637987-G-A.
Other names: c.2277G>A, p.Trp759Ter (NM_001037343.2, NM_003159.3); short protein forms W759*.
Identifiers: ClinVar variation 2941715 (VCV002941715.3), dbSNP rs2518890460, ClinGen allele CA412363064.